The following is an entry in ClinVar:

ClinVar aggregate classification (germline): Uncertain significance. Review status: criteria provided, multiple submitters, no conflicts (2 of 4 stars). 2 submissions from 2 submitters: Uncertain significance (2). Last evaluated 2024-01-22.

Conditions:
Pontocerebellar hypoplasia type 10. Identifiers: Orphanet 411493, MedGen C5190575, MONDO:0014349, OMIM 615803.
Inborn genetic diseases. Identifiers: MedGen C0950123, MeSH D030342.

Allele frequency attached by ClinVar (database versions not stated): gnomAD exomes below 0.00001 and 0.00001; gnomAD 0.00001; TOPMed 0.00001.
gnomAD v4.1: 16 of 1,614,024 alleles (0.00099%); highest among the groups gnomAD compares: Middle Eastern, 0.016%; no homozygotes.

Submissions (2):

Ambry Genetics
Classification: Uncertain significance for Inborn genetic diseases. Last evaluated: 2024-01-22. Review status: criteria provided, single submitter. Criteria: Ambry Variant Classification Scheme 2023. Collection method: clinical testing. Allele origin: germline.

Baylor Genetics
Classification: Uncertain significance for Pontocerebellar hypoplasia type 10. Last evaluated: 2019-12-28. Review status: criteria provided, single submitter. Criteria: ACMG Guidelines, 2015. Collection method: clinical testing. Allele origin: unknown. Affected: yes.
Comment: This variant was determined to be of uncertain significance according to ACMG Guidelines, 2015 [PMID:25741868].

NM_006831.3(CLP1):c.427C>T (p.Arg143Cys)

Gene: CLP1 (cleavage factor polyribonucleotide kinase subunit 1; plus strand). Cytogenetic location: 11q12.1.
Variant type: single nucleotide variant.
Coding change: c.427C>T on transcript NM_006831.3 (MANE Select); coding-DNA position 427, C replaced by T.
Protein change: p.Arg143Cys; replaces arginine 143 with cysteine.
Molecular consequence: missense variant. On other transcripts: intron variant (1).
Genome position (GRCh38, 1-based): chr11:57,659,903, C>T. VCF-style: chr11-57659903-C-T. GRCh37 (hg19) VCF-style: chr11-57427375-C-T.
Other names: c.414+13C>T (NM_001142597.2); short protein forms R143C.
Identifiers: ClinVar variation 1030162 (VCV001030162.2), dbSNP rs957840738, ClinGen allele CA223048153.